The following is an entry in ClinVar:

ClinVar aggregate classification (germline): Likely benign (0 of 4 stars; one submission).

Conditions:
NRP2-related disorder. Also called: NRP2-related condition.

gnomAD v4.1: 10 of 1,611,620 alleles (0.00062%); highest among the groups gnomAD compares: Middle Eastern, 0.016%; no homozygotes.

Submission:

PreventionGenetics, part of Exact Sciences
Classification: Likely benign for NRP2-related condition. Last evaluated: 2023-01-08. Review status: no assertion criteria provided. Collection method: clinical testing. Allele origin: germline.
Comment: This variant is classified as likely benign based on ACMG/AMP sequence variant interpretation guidelines (Richards et al. 2015 PMID: 25741868, with internal and published modifications).

NM_003872.3(NRP2):c.2425+9669G>A

Gene: NRP2 (neuropilin 2; plus strand). Cytogenetic location: 2q33.3.
Variant type: single nucleotide variant.
Coding change: c.2425+9669G>A on transcript NM_003872.3 (MANE Select); 9669 bases into the intron after coding-DNA position 2425, G replaced by A.
Molecular consequence: intron variant. On other transcripts: synonymous variant (2).
Genome position (GRCh38, 1-based): chr2:205,776,472, G>A. VCF-style: chr2-205776472-G-A. GRCh37 (hg19) VCF-style: chr2-206641196-G-A.
Other names: c.2667G>A, p.Ala889= (NM_018534.4); c.2652G>A, p.Ala884= (NM_201267.2); c.2440+9654G>A (NM_201266.2); c.2425+9669G>A (NM_201279.2).
Identifiers: ClinVar variation 3356299 (VCV003356299.1).